The following is an entry in ClinVar:

ClinVar aggregate classification (germline): Uncertain significance. Review status: criteria provided, multiple submitters, no conflicts (2 of 4 stars). 2 submissions from 2 submitters: Uncertain significance (2). Last evaluated 2025-08-11.

Conditions:
Familial cold autoinflammatory syndrome 2 (FCAS2). Identifiers: Orphanet 247868, MedGen C2673198, MONDO:0012724, OMIM 611762.

Allele frequency attached by ClinVar (database versions not stated): gnomAD exomes below 0.00001.

Submissions (2):

GeneDx
Classification: Uncertain significance. Last evaluated: 2025-08-11. Review status: criteria provided, single submitter. Criteria: GeneDx Variant Classification Process June 2021. Collection method: clinical testing. Allele origin: germline. Affected: yes.
Comment: Not observed at significant frequency in large population cohorts (gnomAD); Canonical splice site variant with an unclear effect on protein function; Has not been previously published as pathogenic or benign to our knowledge

Labcorp Genetics (formerly Invitae), Labcorp
Classification: Uncertain significance for Familial cold autoinflammatory syndrome 2. Last evaluated: 2023-06-13. Review status: criteria provided, single submitter. Criteria: Invitae Variant Classification Sherloc (09022015). Collection method: clinical testing. Allele origin: germline.
Comment: This sequence change affects an acceptor splice site in intron 4 of the NLRP12 gene. It is expected to disrupt RNA splicing. Variants that disrupt the donor or acceptor splice site typically lead to a loss of protein function (PMID: 16199547), however the current clinical and genetic evidence is not sufficient to establish whether loss-of-function variants in NLRP12 cause disease. This variant is not present in population databases (gnomAD no frequency). This variant has not been reported in the literature in individuals affected with NLRP12-related conditions. ClinVar contains an entry for this variant (Variation ID: 536929). Algorithms developed to predict the effect of sequence changes on RNA splicing suggest that this variant may disrupt the consensus splice site. In summary, the available evidence is currently insufficient to determine the role of this variant in disease. Therefore, it has been classified as a Variant of Uncertain Significance.

Literature cited by the submitters: PubMed 16199547 (cited by Labcorp Genetics (formerly Invitae), Labcorp).

NM_144687.4(NLRP12):c.2244-1G>A

Gene: NLRP12 (NLR family pyrin domain containing 12; minus strand). Cytogenetic location: 19q13.42.
Variant type: single nucleotide variant.
Coding change: c.2244-1G>A on transcript NM_144687.4 (MANE Select); the canonical splice acceptor site of the intron before coding-DNA position 2244, G replaced by A.
Molecular consequence: splice acceptor variant.
Genome position (GRCh38, 1-based): chr19:53,805,451, C>T on the plus strand (G>A on the coding strand, the complement: NLRP12 is on the minus strand). VCF-style: chr19-53805451-C-T. GRCh37 (hg19) VCF-style: chr19-54308705-C-T.
Other names: c.2244-1G>A (NM_001277129.1); c.2247-1G>A (NM_001277126.2).
Identifiers: ClinVar variation 536929 (VCV000536929.9), dbSNP rs1555794506, ClinGen allele CA407410817.